The following is an entry in ClinVar:

NM_001287491.2(TET3):c.4526G>A (p.Arg1509Gln)

Gene: TET3 (tet methylcytosine dioxygenase 3; plus strand). Cytogenetic location: 2p13.1.
Variant type: single nucleotide variant.
Coding change: c.4526G>A on transcript NM_001287491.2 (MANE Select); coding-DNA position 4526, G replaced by A.
Protein change: p.Arg1509Gln; replaces arginine 1509 with glutamine.
Molecular consequence: missense variant.
Genome position (GRCh38, 1-based): chr2:74,101,314, G>A. VCF-style: chr2-74101314-G-A. GRCh37 (hg19) VCF-style: chr2-74328441-G-A.
Other names: c.4247G>A, p.Arg1416Gln (NM_001366022.1); short protein forms R1416Q, R1509Q.
Identifiers: ClinVar variation 3899787 (VCV003899787.3).
Genomic context (GRCh38, chr2:74,101,314, plus strand): 5'-AGTGGGGGCTGTTCCCCGGTGAGGGGCAGCAGGCAGCTTCCCACTCTGGAGGACGGCTGC[G>A]AGGCAAACCGTGGAGCCCCTGCAAGTTTGGGAACAGCACCTCGGCCTTGGCTGGGCCCAG-3'
Protein context (NP_001274420.1, residues 1499-1519): QAASHSGGRL[Arg1509Gln]GKPWSPCKFG

ClinVar aggregate classification (germline): Conflicting classifications of pathogenicity. Review status: criteria provided, conflicting classifications (1 of 4 stars). 2 submissions from 2 submitters: Uncertain significance (1); Likely benign (1). Last evaluated 2026-09-08.

Conditions:
TET3-related disorder. Also called: TET3-Related Disease; TET3-related condition.

gnomAD v4.1: 354 of 1,613,460 alleles (0.022%); highest among the groups gnomAD compares: African/African-American, 0.44%; 1 homozygote.

Submissions (2):

PreventionGenetics, part of Exact Sciences
Classification: Likely benign for TET3-related condition. Last evaluated: 2026-09-08. Review status: criteria provided, single submitter. Criteria: ACMG Guidelines, 2015. Collection method: clinical testing. Allele origin: germline.
Comment: This variant is classified as likely benign based on ACMG/AMP sequence variant interpretation guidelines (Richards et al. 2015 PMID: 25741868, with internal and published modifications).

GeneDx
Classification: Uncertain significance. Last evaluated: 2025-06-04. Review status: criteria provided, single submitter. Criteria: GeneDx Variant Classification Process June 2021. Collection method: clinical testing. Allele origin: germline.
Comment: In silico analysis does not support a benign or deleterious effect of this variant on protein structure/function; Has not been previously published as pathogenic or benign to our knowledge